The following is an entry in ClinVar:

NM_014780.5(CUL7):c.3254G>A (p.Arg1085His)

Gene: CUL7 (cullin 7; minus strand). Cytogenetic location: 6p21.1.
Variant type: single nucleotide variant.
Coding change: c.3254G>A on transcript NM_014780.5 (MANE Select); coding-DNA position 3254, G replaced by A.
Protein change: p.Arg1085His; replaces arginine 1085 with histidine.
Molecular consequence: missense variant.
Genome position (GRCh38, 1-based): chr6:43,043,549, C>T on the plus strand (G>A on the coding strand, the complement: CUL7 is on the minus strand). VCF-style: chr6-43043549-C-T. GRCh37 (hg19) VCF-style: chr6-43011287-C-T.
Other names: c.3350G>A, p.Arg1117His (NM_001168370.2, NM_001374872.1); c.3254G>A, p.Arg1085His (NM_001374873.1, NM_001374874.1); short protein forms R1085H, R1117H.
Identifiers: ClinVar variation 2202822 (VCV002202822.2), dbSNP rs752825990, ClinGen allele CA3813548.

ClinVar aggregate classification (germline): Uncertain significance (1 of 4 stars; one submission).

Allele frequency attached by ClinVar (database versions not stated): gnomAD 0.00003; TOPMed 0.00003; ExAC 0.00004; gnomAD exomes 0.00005.
gnomAD v4.1: 73 of 1,613,842 alleles (0.0045%); highest among the groups gnomAD compares: Middle Eastern, 0.049%; no homozygotes.

Submission:

Labcorp Genetics (formerly Invitae), Labcorp
Classification: Uncertain significance. Last evaluated: 2024-02-23. Review status: criteria provided, single submitter. Criteria: Invitae Variant Classification Sherloc (09022015). Collection method: clinical testing. Allele origin: germline.
Comment: This sequence change replaces arginine, which is basic and polar, with histidine, which is basic and polar, at codon 1085 of the CUL7 protein (p.Arg1085His). This variant is present in population databases (rs752825990, gnomAD 0.02%). This variant has not been reported in the literature in individuals affected with CUL7-related conditions. ClinVar contains an entry for this variant (Variation ID: 2202822). Advanced modeling of protein sequence and biophysical properties (such as structural, functional, and spatial information, amino acid conservation, physicochemical variation, residue mobility, and thermodynamic stability) performed at Invitae indicates that this missense variant is not expected to disrupt CUL7 protein function with a negative predictive value of 80%. In summary, the available evidence is currently insufficient to determine the role of this variant in disease. Therefore, it has been classified as a Variant of Uncertain Significance.